The following is an entry in ClinVar:

ClinVar aggregate classification (germline): Uncertain significance. Review status: criteria provided, multiple submitters, no conflicts (2 of 4 stars). 3 submissions from 3 submitters: Uncertain significance (3). Last evaluated 2026-05-11.

Conditions:
Inborn genetic diseases. Identifiers: MedGen C0950123, MeSH D030342.

Allele frequency attached by ClinVar (database versions not stated): gnomAD exomes 0.00003.

Submissions (3):

Women's Health and Genetics/Laboratory Corporation of America, LabCorp
Classification: Uncertain significance. Last evaluated: 2026-05-11. Review status: criteria provided, single submitter. Criteria: LabCorp Variant Classification Summary - May 2015. Collection method: clinical testing. Allele origin: germline.
Comment: Variant summary: DSE c.1913G>A (p.Gly638Asp) results in a non-conservative amino acid change in the encoded protein sequence. Algorithms developed to predict the effect of missense changes on protein structure and function are either unavailable or do not agree on the potential impact of this missense change. The variant allele was found at a frequency of 1.2e-05 in 251180 control chromosomes. The available data on variant occurrences in the general population are insufficient to allow any conclusion about variant significance. To our knowledge, no occurrence of c.1913G>A in individuals affected with DSE-related conditions and no experimental evidence demonstrating its impact on protein function have been reported. ClinVar contains an entry for this variant (Variation ID: 1212623). Based on the evidence outlined above, the variant was classified as uncertain significance.

Ambry Genetics
Classification: Uncertain significance for Inborn genetic diseases. Last evaluated: 2025-09-01. Review status: criteria provided, single submitter. Criteria: Ambry Variant Classification Scheme 2023. Collection method: clinical testing. Allele origin: germline.

GeneDx
Classification: Uncertain significance. Last evaluated: 2020-07-14. Review status: criteria provided, single submitter. Criteria: GeneDx Variant Classification Process June 2021. Collection method: clinical testing. Allele origin: germline. Affected: yes.
Comment: Not observed at a significant frequency in large population cohorts (Lek et al., 2016); In silico analysis supports that this missense variant does not alter protein structure/function; Has not been previously published as pathogenic or benign to our knowledge

NM_013352.4(DSE):c.1913G>A (p.Gly638Asp)

Gene: DSE (dermatan sulfate epimerase; plus strand). Cytogenetic location: 6q22.1.
Variant type: single nucleotide variant.
Coding change: c.1913G>A on transcript NM_013352.4 (MANE Select); coding-DNA position 1913, G replaced by A.
Protein change: p.Gly638Asp; replaces glycine 638 with aspartic acid.
Molecular consequence: missense variant. On other transcripts: 3 prime UTR variant (2), non-coding transcript variant (1).
Genome position (GRCh38, 1-based): chr6:116,436,381, G>A. VCF-style: chr6-116436381-G-A. GRCh37 (hg19) VCF-style: chr6-116757544-G-A.
Other names: c.1913G>A, p.Gly638Asp (NM_001080976.3, NM_001322937.2, NM_001322938.2); c.1970G>A, p.Gly657Asp (NM_001322939.2); c.1352G>A, p.Gly451Asp (NM_001322940.2, NM_001322941.2); c.*778G>A (NM_001322943.2, NM_001322944.2); c.914G>A, p.Gly305Asp (NM_001374520.1); c.878G>A, p.Gly293Asp (NM_001374521.1); short protein forms G293D, G305D, G451D, G638D, G657D.
Identifiers: ClinVar variation 1212623 (VCV001212623.5), dbSNP rs372851752, ClinGen allele CA365403802.